The following is an entry in ClinVar:

NM_199420.4(POLQ):c.1625G>A (p.Gly542Glu)

Gene: POLQ (DNA polymerase theta; minus strand). Cytogenetic location: 3q13.33.
Variant type: single nucleotide variant.
Coding change: c.1625G>A on transcript NM_199420.4 (MANE Select); coding-DNA position 1625, G replaced by A.
Protein change: p.Gly542Glu; replaces glycine 542 with glutamic acid.
Molecular consequence: missense variant.
Genome position (GRCh38, 1-based): chr3:121,510,230, C>T on the plus strand (G>A on the coding strand, the complement: POLQ is on the minus strand). VCF-style: chr3-121510230-C-T. GRCh37 (hg19) VCF-style: chr3-121229077-C-T.
Other names: short protein forms G542E.
Identifiers: ClinVar variation 1776683 (VCV001776683.2), dbSNP rs749686340, ClinGen allele CA2563479.

ClinVar aggregate classification (germline): Uncertain significance (1 of 4 stars; one submission).

Allele frequency attached by ClinVar (database versions not stated): gnomAD exomes below 0.00001; ExAC 0.00001.
gnomAD v4.1: 2 of 1,609,942 alleles (0.00012%); highest among the groups gnomAD compares: Non-Finnish European, 0.00017%; no homozygotes.

Submission:

Ambry Genetics
Classification: Uncertain significance. Last evaluated: 2021-06-10. Review status: criteria provided, single submitter. Criteria: Ambry Variant Classification Scheme 2023. Collection method: clinical testing. Allele origin: germline.
Comment: The p.G542E variant (also known as c.1625G>A), located in coding exon 11 of the POLQ gene, results from a G to A substitution at nucleotide position 1625. The glycine at codon 542 is replaced by glutamic acid, an amino acid with similar properties. This amino acid position is conserved. In addition, the in silico prediction for this alteration is inconclusive. Since supporting evidence is limited at this time, the clinical significance of this alteration remains unclear.